The following is an entry in ClinVar:

ClinVar aggregate classification (germline): Uncertain significance (1 of 4 stars; one submission).

Submission:

Women's Health and Genetics/Laboratory Corporation of America, LabCorp
Classification: Uncertain significance. Last evaluated: 2026-02-09. Review status: criteria provided, single submitter. Criteria: LabCorp Variant Classification Summary - May 2015. Collection method: clinical testing. Allele origin: germline.
Comment: Variant summary: RS1 c.427G>A (p.Asp143Asn) results in a conservative amino acid change in the encoded protein sequence. Algorithms developed to predict the effect of missense changes on protein structure and function are either unavailable or do not agree on the potential impact of this missense change. The variant was absent in 183520 control chromosomes. The available data on variant occurrences in the general population are insufficient to allow any conclusion about variant significance. To our knowledge, no occurrence of c.427G>A in individuals affected with RS1-related conditions and no experimental evidence demonstrating its impact on protein function have been reported. No submitters have cited clinical-significance assessments for this variant to ClinVar. Based on the evidence outlined above, the variant was classified as uncertain significance.

NM_000330.4(RS1):c.427G>A (p.Asp143Asn)

Genes: CDKL5 (cyclin dependent kinase like 5; plus strand), RS1 (retinoschisin 1; minus strand). Cytogenetic location: Xp22.13.
Variant type: single nucleotide variant.
Coding change: c.427G>A on transcript NM_000330.4 (MANE Select); coding-DNA position 427, G replaced by A.
Protein change: p.Asp143Asn; replaces aspartic acid 143 with asparagine.
Molecular consequence: missense variant. On other transcripts: intron variant (2).
Genome position (GRCh38, 1-based): chrX:18,644,525, C>T on the plus strand (G>A on the coding strand, the complement: RS1 is on the minus strand). VCF-style: chrX-18644525-C-T. GRCh37 (hg19) VCF-style: chrX-18662645-C-T.
Other names: c.2714-1482C>T (NM_003159.3, NM_001037343.2); short protein forms D143N.
Identifiers: ClinVar variation 4847953 (VCV004847953.1).
Genomic context (GRCh38, chrX:18,644,525, plus strand): 5'-AGTTCAGGCGCTCATCGGTCCTGTACTGCACGCTGTACTTGGTCATCCACTCATCGATGT[C>T]ACAGCGCCCCTGGGTGAGGATCCCTGAAATCACTTTGATCTCCTTCAGATCTATCTGTAA-3'
Protein context (NP_000321.1, residues 133-153): ISGILTQGRC[Asp143Asn]IDEWMTKYSV